The following is an entry in ClinVar:

ClinVar aggregate classification (germline): Uncertain significance (1 of 4 stars; one submission).

Conditions:
Neuropathy, hereditary sensory, type 2C. Also called: KIF1A-Related HSAN2 (HSAN2C); Hereditary sensory and autonomic neuropathy type IIC. Identifiers: Orphanet 970, MedGen C3280168, MONDO:0013634, OMIM 614213.
Hereditary spastic paraplegia 30. Identifiers: Orphanet 101010, MedGen C5235139, MONDO:0012476.
Intellectual disability, autosomal dominant 9 (NESCAVS). Also called: KIF1A-Related Neurodevelopmental Disorder; NESCAV SYNDROME. Identifiers: Orphanet 662367, MedGen C5393830, MONDO:0013656, OMIM 614255.

Submission:

Labcorp Genetics (formerly Invitae), Labcorp
Classification: Uncertain significance for Hereditary spastic paraplegia 30; Neuropathy, hereditary sensory, type 2C; Intellectual disability, autosomal dominant 9. Last evaluated: 2026-02-01. Review status: criteria provided, single submitter. Criteria: Invitae Variant Classification Sherloc (09022015). Collection method: clinical testing. Allele origin: germline.
Comment: This sequence change replaces proline, which is neutral and non-polar, with alanine, which is neutral and non-polar, at codon 1409 of the KIF1A protein (p.Pro1409Ala). This variant is not present in population databases (gnomAD no frequency). This variant has not been reported in the literature in individuals affected with KIF1A-related conditions. Invitae Evidence Modeling of protein sequence and biophysical properties (such as structural, functional, and spatial information, amino acid conservation, physicochemical variation, residue mobility, and thermodynamic stability) indicates that this missense variant is not expected to disrupt KIF1A protein function with a negative predictive value of 95%. In summary, the available evidence is currently insufficient to determine the role of this variant in disease. Therefore, it has been classified as a Variant of Uncertain Significance.

NM_001244008.2(KIF1A):c.4528C>G (p.Pro1510Ala)

Gene: KIF1A (kinesin family member 1A; minus strand). Cytogenetic location: 2q37.3.
Variant type: single nucleotide variant.
Coding change: c.4528C>G on transcript NM_001244008.2 (MANE Select); coding-DNA position 4528, C replaced by G.
Protein change: p.Pro1510Ala; replaces proline 1510 with alanine.
Molecular consequence: missense variant.
Genome position (GRCh38, 1-based): chr2:240,722,593, G>C on the plus strand (C>G on the coding strand, the complement: KIF1A is on the minus strand). VCF-style: chr2-240722593-G-C. GRCh37 (hg19) VCF-style: chr2-241662010-G-C.
Other names: c.4252C>G, p.Pro1418Ala (NM_001320705.2, NM_001379649.1); c.4279C>G, p.Pro1427Ala (NM_001330289.2); c.4327C>G, p.Pro1443Ala (NM_001330290.2, NM_001379648.1); c.4603C>G, p.Pro1535Ala (NM_001379631.1); c.4504C>G, p.Pro1502Ala (NM_001379632.1); c.4501C>G, p.Pro1501Ala (NM_001379633.1, NM_001379645.1); c.4354C>G, p.Pro1452Ala (NM_001379634.1); c.4351C>G, p.Pro1451Ala (NM_001379635.1, NM_001379646.1); and 7 more; short protein forms P1426A, P1452A, P1501A, P1502A, P1417A, P1434A, P1510A, P1408A.
Identifiers: ClinVar variation 4792569 (VCV004792569.1).